The following is an entry in ClinVar:

ClinVar aggregate classification (germline): Uncertain significance (1 of 4 stars; one submission).

Conditions:
Malignant hyperthermia, susceptibility to, 1 (MHS1). Also called: Anesthesia related hyperthermia; Malignant hyperpyrexia; Fulminating hyperpyrexia; Pharmacogenic myopathy; RYR1-Related Malignant Hyperthermia Susceptibility; Malignant hyperthermia suceptibility 1. Identifiers: Orphanet 423, MedGen C2930980, MONDO:0007783, OMIM 145600.

Submission:

All of Us Research Program, National Institutes of Health
Classification: Uncertain significance for Malignant hyperthermia, susceptibility to, 1. Last evaluated: 2023-12-13. Review status: criteria provided, single submitter. Criteria: ACMG Guidelines, 2015. Collection method: clinical testing. Allele origin: germline. Inheritance: Autosomal dominant inheritance. Observed: 1 variant allele, 1 heterozygote.
Comment: This variant results in the replacement of 4 consecutive amino acids with 1 new amino acid (p.Thr1095_Glu1098delinsLys) in the RYR1 protein. To our knowledge, functional studies have not been reported for this variant. This variant has not been reported in individuals affected with RYR1-related disorders in the literature. This variant has not been identified in the general population by the Genome Aggregation Database (gnomAD). The available evidence is insufficient to determine the role of this variant in disease conclusively. Therefore, this variant is classified as a Variant of Uncertain Significance.

This study involves interpretation of variants in research participants for the purpose of population health screening. Participant phenotype was not available at the time of variant classification. Additional details can be found in publication PMID: 35346344, PMCID: PMC8962531

NM_000540.3(RYR1):c.3284_3292del (p.Thr1095_Glu1098delinsLys)

Gene: RYR1 (ryanodine receptor 1; plus strand). Cytogenetic location: 19q13.2.
Variant type: Deletion.
Coding change: c.3284_3292del on transcript NM_000540.3 (MANE Select); coding-DNA positions 3284 to 3292, 9 bases deleted (CCACAGGCG; older notation c.3284_3292delCCACAGGCG).
Protein change: p.Thr1095_Glu1098delinsLys.
Molecular consequence: inframe indel.
Genome position (GRCh38, 1-based): chr19:38,467,715-38,467,723, CCACAGGCG deleted. VCF-style (leftmost placement, unchanged base first): chr19-38467714-ACCACAGGCG-A. GRCh37 (hg19) VCF-style: chr19-38958354-ACCACAGGCG-A.
Other names: c.3284_3292del, p.Thr1095_Glu1098delinsLys (NM_001042723.2).
Identifiers: ClinVar variation 3074804 (VCV003074804.1), dbSNP rs2514102094, ClinGen allele CA2825002772.